The following is an entry in ClinVar:

NM_004260.4(RECQL4):c.753C>A (p.Ser251Arg)

Gene: RECQL4 (RecQ like helicase 4; minus strand). Cytogenetic location: 8q24.3.
Variant type: single nucleotide variant.
Coding change: c.753C>A on transcript NM_004260.4 (MANE Select); coding-DNA position 753, C replaced by A.
Protein change: p.Ser251Arg; replaces serine 251 with arginine.
Molecular consequence: missense variant.
Genome position (GRCh38, 1-based): chr8:144,516,366, G>T on the plus strand (C>A on the coding strand, the complement: RECQL4 is on the minus strand). VCF-style: chr8-144516366-G-T. GRCh37 (hg19) VCF-style: chr8-145741750-G-T.
Other names: short protein forms S251R.
Identifiers: ClinVar variation 1469598 (VCV001469598.6), dbSNP rs1202043761, ClinGen allele CA372689388.

ClinVar aggregate classification (germline): Uncertain significance (1 of 4 stars; one submission).

Conditions:
Baller-Gerold syndrome (BGS). Also called: CRANIOSYNOSTOSIS WITH RADIAL DEFECTS. Identifiers: Orphanet 1225, MedGen C0265308, MONDO:0009039, OMIM 218600.

Submission:

Labcorp Genetics (formerly Invitae), Labcorp
Classification: Uncertain significance for Baller-Gerold syndrome. Last evaluated: 2021-09-06. Review status: criteria provided, single submitter. Criteria: Invitae Variant Classification Sherloc (09022015). Collection method: clinical testing. Allele origin: germline.
Comment: This sequence change replaces serine with arginine at codon 251 of the RECQL4 protein (p.Ser251Arg). The serine residue is weakly conserved and there is a moderate physicochemical difference between serine and arginine. This variant is not present in population databases (ExAC no frequency). This variant has not been reported in the literature in individuals affected with RECQL4-related conditions. Experimental studies and prediction algorithms are not available or were not evaluated, and the functional significance of this variant is currently unknown. In summary, the available evidence is currently insufficient to determine the role of this variant in disease. Therefore, it has been classified as a Variant of Uncertain Significance.